The following is an entry in ClinVar:

ClinVar aggregate classification (germline): Benign/Likely benign. Review status: criteria provided, multiple submitters, no conflicts (2 of 4 stars). 18 submissions from 17 submitters: Benign (4); Likely benign (10). 4 of the submissions do not count toward it. Last evaluated 2026-09-01.

Conditions:
RYR1-related disorder. Also called: RYR1-related disorders; RYR1-related condition. Identifiers: MedGen CN239331.
Congenital multicore myopathy with external ophthalmoplegia (CMYO1B). Also called: Congenital myopathy 1B, autosomal recessive; Minicore myopathy; MULTICORE MYOPATHY; MULTIMINICORE DISEASE WITH EXTERNAL OPHTHALMOPLEGIA; Minicore myopathy with external ophthalmoplegia. Identifiers: Orphanet 598, Orphanet 98905, MedGen C1850674, MONDO:0009712, OMIM 255320, HP:0003789.
Malignant hyperthermia, susceptibility to, 1 (MHS1). Also called: Malignant hyperthermia suceptibility 1; Anesthesia related hyperthermia; Malignant hyperpyrexia; Fulminating hyperpyrexia; Pharmacogenic myopathy; RYR1-Related Malignant Hyperthermia Susceptibility. Identifiers: Orphanet 423, MedGen C2930980, MONDO:0007783, OMIM 145600.

Allele frequency attached by ClinVar (database versions not stated): ESP Exome Variant Server 0.00115; gnomAD 0.00140; TOPMed 0.00141; 1000 Genomes Project 30x 0.00219; 1000 Genomes Project 0.00280.
gnomAD v4.1: 2,765 of 1,613,302 alleles (0.17%); highest among the groups gnomAD compares: South Asian, 0.39%; 14 homozygotes.

Submissions (18):

CeGaT Center for Human Genetics Tuebingen
Classification: Likely benign. Last evaluated: 2026-09-01. Review status: criteria provided, single submitter. Criteria: CeGaT Center For Human Genetics Tuebingen Variant Classification Criteria Version 2. Collection method: clinical testing. Allele origin: germline. Affected: yes. Observed: 39 variant alleles.
Comment: RYR1: BP4, BP7, BS2

Labcorp Genetics (formerly Invitae), Labcorp
Classification: Benign for RYR1-related disorder. Last evaluated: 2026-02-03. Review status: criteria provided, single submitter. Criteria: Invitae Variant Classification Sherloc (09022015). Collection method: clinical testing. Allele origin: germline.

Women's Health and Genetics/Laboratory Corporation of America, LabCorp
Classification: Benign. Last evaluated: 2026-02-03. Review status: criteria provided, single submitter. Criteria: LabCorp Variant Classification Summary - May 2015. Collection method: clinical testing. Allele origin: germline.

Blueprint Genetics
Classification: Likely benign. Last evaluated: 2024-11-07. Review status: criteria provided, single submitter. Criteria: ACMG Guidelines, 2015. Collection method: clinical testing. Allele origin: germline.

ARUP Laboratories, Molecular Genetics and Genomics, ARUP Laboratories
Classification: Likely benign. Last evaluated: 2024-03-11. Review status: criteria provided, single submitter. Criteria: ARUP Molecular Germline Variant Investigation Process 2024. Collection method: clinical testing. Allele origin: germline.

All of Us Research Program, National Institutes of Health
Classification: Benign for Malignant hyperthermia, susceptibility to, 1. Last evaluated: 2024-02-05. Review status: criteria provided, single submitter. Criteria: ACMG Guidelines, 2015. Collection method: clinical testing. Allele origin: germline. Inheritance: Autosomal dominant inheritance. Observed: 451 variant alleles, 451 heterozygotes.
Comment: This study involves interpretation of variants in research participants for the purpose of population health screening. Participant phenotype was not available at the time of variant classification. Additional details can be found in publication PMID: 35346344, PMCID: PMC8962531

Color Diagnostics, LLC DBA Color Health
Classification: Benign for Malignant hyperthermia, susceptibility to, 1. Last evaluated: 2022-09-20. Review status: criteria provided, single submitter. Criteria: ACMG Guidelines, 2015. Collection method: clinical testing. Allele origin: germline.

GeneDx
Classification: Likely benign. Last evaluated: 2020-11-12. Review status: criteria provided, single submitter. Criteria: GeneDx Variant Classification Process June 2021. Collection method: clinical testing. Allele origin: germline. Affected: yes.
Comment: This variant is associated with the following publications: (PMID: 22473935)

Illumina Laboratory Services, Illumina
Classification: Likely benign for Congenital multicore myopathy with external ophthalmoplegia. Last evaluated: 2018-01-12. Review status: criteria provided, single submitter. Criteria: ICSL Variant Classification Criteria 13 December 2019. Collection method: clinical testing. Allele origin: germline.
Comment: This variant was observed in the ICSL laboratory as part of a predisposition screen in an ostensibly healthy population. It had not been previously curated by ICSL or reported in the Human Gene Mutation Database (HGMD: prior to June 1st, 2018), and was therefore a candidate for classification through an automated scoring system. Utilizing variant allele frequency, disease prevalence and penetrance estimates, and inheritance mode, an automated score was calculated to assess if this variant is too frequent to cause the disease. Based on the score and internal cut-off values, a variant classified as likely benign is not then subjected to further curation. The score for this variant resulted in a classification of likely benign for this disease.

Illumina Laboratory Services, Illumina
Classification: Likely benign for Malignant hyperthermia, susceptibility to, 1. Last evaluated: 2018-01-12. Review status: criteria provided, single submitter. Criteria: ICSL Variant Classification Criteria 13 December 2019. Collection method: clinical testing. Allele origin: germline.
Comment: the same text as in the submission from Illumina Laboratory Services, Illumina above.

Eurofins Ntd Llc (ga)
Classification: Likely benign. Last evaluated: 2017-03-30. Review status: criteria provided, single submitter. Criteria: EGL Classification Definitions 2015. Collection method: clinical testing. Allele origin: germline. Observed: 1 variant allele, 1 heterozygote.

Genetic Services Laboratory, University of Chicago
Classification: Likely benign. Last evaluated: 2013-08-16. Review status: criteria provided, single submitter. Criteria: ACMG Guidelines, 2007. Collection method: clinical testing. Allele origin: germline. Inheritance: Autosomal unknown.
Comment: Likely benign based on allele frequency in 1000 Genomes Project or ESP global frequency and its presence in a patient with a rare or unrelated disease phenotype. NOT Sanger confirmed

Breakthrough Genomics
Classification: Likely benign. Review status: criteria provided, single submitter. Criteria: ACMG Guidelines, 2015. Collection method: not provided. Allele origin: germline. Inheritance: Autosomal recessive inheritance. Affected: yes.

PreventionGenetics, part of Exact Sciences
Classification: Likely benign. Review status: criteria provided, single submitter. Criteria: ACMG Guidelines, 2015. Collection method: clinical testing. Allele origin: germline.

Clinical Genetics DNA and cytogenetics Diagnostics Lab, Erasmus MC, Erasmus Medical Center
Classification: Likely benign. Review status: no assertion criteria provided. Collection method: clinical testing. Allele origin: germline. Affected: yes. Study: VKGL Data-share Consensus. Not counted in ClinVar's aggregate classification.

Clinical Genetics, Academic Medical Center
Classification: Benign. Review status: no assertion criteria provided. Collection method: clinical testing. Allele origin: germline. Affected: yes. Study: VKGL Data-share Consensus. Not counted in ClinVar's aggregate classification.

Genome Diagnostics Laboratory, University Medical Center Utrecht
Classification: Likely benign. Review status: no assertion criteria provided. Collection method: clinical testing. Allele origin: germline. Affected: yes. Study: VKGL Data-share Consensus. Not counted in ClinVar's aggregate classification.

Joint Genome Diagnostic Labs from Nijmegen and Maastricht, Radboudumc and MUMC+
Classification: Likely benign. Review status: no assertion criteria provided. Collection method: clinical testing. Allele origin: germline. Affected: yes. Study: VKGL Data-share Consensus. Not counted in ClinVar's aggregate classification.

NM_000540.3(RYR1):c.2919C>T (p.His973=)

Gene: RYR1 (ryanodine receptor 1; plus strand). Cytogenetic location: 19q13.2.
Variant type: single nucleotide variant.
Coding change: c.2919C>T on transcript NM_000540.3 (MANE Select); coding-DNA position 2919, C replaced by T.
Protein change: p.His973=; no amino-acid change (histidine 973 retained).
Molecular consequence: synonymous variant.
Genome position (GRCh38, 1-based): chr19:38,466,139, C>T. VCF-style: chr19-38466139-C-T. GRCh37 (hg19) VCF-style: chr19-38956779-C-T.
Other names: c.2919C>T, p.His973= (NM_001042723.2).
Identifiers: ClinVar variation 159842 (VCV000159842.78), dbSNP rs139363830, ClinGen allele CA024372.
Genomic context (GRCh38, chr19:38,466,139, plus strand): 5'-CCATGCCCGCAGGTATATGATGAGCAATGGGTACAAGCCGGCTCCGCTGGACCTGAGCCA[C>T]GTGCGGCTGACGCCGGCGCAGACGACACTGGTGGACCGTCTGGCAGAAAATGGGCACAAC-3'
Protein context (NP_000531.2, residues 963-983): GYKPAPLDLS[His973=]VRLTPAQTTL